The following is an entry in ClinVar:

ClinVar aggregate classification (germline): Conflicting classifications of pathogenicity. Review status: criteria provided, conflicting classifications (1 of 4 stars). 4 submissions from 2 submitters: Uncertain significance (3); Likely benign (1). Last evaluated 2024-07-23.

Conditions:
Complement component 3 deficiency. Identifiers: Orphanet 280133, MedGen C3151071, MONDO:0013417, OMIM 613779.
Age related macular degeneration 9. Identifiers: MedGen C1969651, MONDO:0012659, OMIM 611378.
Atypical hemolytic-uremic syndrome with C3 anomaly. Also called: AHUS, SUSCEPTIBILITY TO, 5. Identifiers: Orphanet 2134, MedGen C2752037, MONDO:0013043, OMIM 612925.

Allele frequency attached by ClinVar (database versions not stated): gnomAD exomes below 0.00001 and 0.00001; ExAC 0.00002.
gnomAD v4.1: 5 of 1,614,182 alleles (0.00031%); highest among the groups gnomAD compares: South Asian, 0.0033%; 1 homozygote.

Submissions (4):

Labcorp Genetics (formerly Invitae), Labcorp
Classification: Uncertain significance. Last evaluated: 2024-07-23. Review status: criteria provided, single submitter. Criteria: Invitae Variant Classification Sherloc (09022015). Collection method: clinical testing. Allele origin: germline.
Comment: This sequence change replaces proline, which is neutral and non-polar, with serine, which is neutral and polar, at codon 1587 of the C3 protein (p.Pro1587Ser). This variant is present in population databases (rs746985605, gnomAD 0.006%), including at least one homozygous and/or hemizygous individual. This variant has not been reported in the literature in individuals affected with C3-related conditions. ClinVar contains an entry for this variant (Variation ID: 330276). Advanced modeling of protein sequence and biophysical properties (such as structural, functional, and spatial information, amino acid conservation, physicochemical variation, residue mobility, and thermodynamic stability) performed at Invitae indicates that this missense variant is not expected to disrupt C3 protein function with a negative predictive value of 80%. In summary, the available evidence is currently insufficient to determine the role of this variant in disease. Therefore, it has been classified as a Variant of Uncertain Significance.

Illumina Laboratory Services, Illumina
Classification: Uncertain significance for Age related macular degeneration 9. Last evaluated: 2018-01-12. Review status: criteria provided, single submitter. Criteria: ICSL Variant Classification Criteria 13 December 2019. Collection method: clinical testing. Allele origin: germline.

Illumina Laboratory Services, Illumina
Classification: Likely benign for Atypical hemolytic-uremic syndrome with C3 anomaly. Last evaluated: 2018-01-12. Review status: criteria provided, single submitter. Criteria: ICSL Variant Classification Criteria 13 December 2019. Collection method: clinical testing. Allele origin: germline.
Comment: This variant was observed in the ICSL laboratory as part of a predisposition screen in an ostensibly healthy population. It had not been previously curated by ICSL or reported in the Human Gene Mutation Database (HGMD: prior to June 1st, 2018), and was therefore a candidate for classification through an automated scoring system. Utilizing variant allele frequency, disease prevalence and penetrance estimates, and inheritance mode, an automated score was calculated to assess if this variant is too frequent to cause the disease. Based on the score and internal cut-off values, a variant classified as likely benign is not then subjected to further curation. The score for this variant resulted in a classification of likely benign for this disease.

Illumina Laboratory Services, Illumina
Classification: Uncertain significance for Complement component 3 deficiency. Last evaluated: 2018-01-12. Review status: criteria provided, single submitter. Criteria: ICSL Variant Classification Criteria 13 December 2019. Collection method: clinical testing. Allele origin: germline.

NM_000064.4(C3):c.4759C>T (p.Pro1587Ser)

Gene: C3 (complement C3; minus strand). Cytogenetic location: 19p13.3.
Variant type: single nucleotide variant.
Coding change: c.4759C>T on transcript NM_000064.4 (MANE Select); coding-DNA position 4759, C replaced by T.
Protein change: p.Pro1587Ser; replaces proline 1587 with serine.
Molecular consequence: missense variant.
Genome position (GRCh38, 1-based): chr19:6,678,243, G>A on the plus strand (C>T on the coding strand, the complement: C3 is on the minus strand). VCF-style: chr19-6678243-G-A. GRCh37 (hg19) VCF-style: chr19-6678254-G-A.
Other names: c.4759C>T (LRG_27t1); short protein forms P1587S.
Identifiers: ClinVar variation 330276 (VCV000330276.9), dbSNP rs746985605, ClinGen allele CA9128264.